The following is an entry in ClinVar:

NM_002945.5(RPA1):c.1551+29G>A

Gene: RPA1 (replication protein A1; plus strand). Cytogenetic location: 17p13.3.
Variant type: single nucleotide variant.
Coding change: c.1551+29G>A on transcript NM_002945.5 (MANE Select); 29 bases into the intron after coding-DNA position 1551, G replaced by A.
Molecular consequence: intron variant.
Genome position (GRCh38, 1-based): chr17:1,888,880, G>A. VCF-style: chr17-1888880-G-A. GRCh37 (hg19) VCF-style: chr17-1792174-G-A.
Other names: c.1512+29G>A (NM_001355120.2); c.1375-2953G>A (NM_001355121.2).
Identifiers: ClinVar variation 2688163 (VCV002688163.2), dbSNP rs2270412, ClinGen allele CA8276343.

ClinVar aggregate classification (germline): Benign (1 of 4 stars; one submission).

Allele frequency attached by ClinVar (database versions not stated): ESP Exome Variant Server 0.15155; TOPMed 0.16246; gnomAD 0.16830; 1000 Genomes Project 30x 0.16849; 1000 Genomes Project 0.16973; ExAC 0.21206.
gnomAD v4.1: 326,585 of 1,599,184 alleles (20%); highest among the groups gnomAD compares: East Asian, 31%; 35,215 homozygotes.

Submission:

Unidad de Genómica Garrahan, Hospital de Pediatría Garrahan
Classification: Benign. Last evaluated: 2024-01-24. Review status: criteria provided, single submitter. Criteria: ACMG Guidelines, 2015. Collection method: clinical testing. Allele origin: germline. Affected: no. Observed: 41 variant alleles.
Comment: This variant is classified as Benign based on local population frequency. This variant was detected in 43% of patients studied by a panel of primary immunodeficiencies. Number of patients: 41. Only high quality variants are reported.